The following is an entry in ClinVar:

NM_000553.6(WRN):c.3452A>G (p.Glu1151Gly)

Gene: WRN (WRN RecQ like helicase; plus strand). Cytogenetic location: 8p12.
Variant type: single nucleotide variant.
Coding change: c.3452A>G on transcript NM_000553.6 (MANE Select); coding-DNA position 3452, A replaced by G.
Protein change: p.Glu1151Gly; replaces glutamic acid 1151 with glycine.
Molecular consequence: missense variant.
Genome position (GRCh38, 1-based): chr8:31,147,121, A>G. VCF-style: chr8-31147121-A-G. GRCh37 (hg19) VCF-style: chr8-31004637-A-G.
Other names: short protein forms E1151G.
Identifiers: ClinVar variation 649208 (VCV000649208.6), dbSNP rs1396993219, ClinGen allele CA370925542.

ClinVar aggregate classification (germline): Uncertain significance (1 of 4 stars; one submission).

Conditions:
Werner syndrome (WRN). Identifiers: Orphanet 902, MedGen C0043119, MONDO:0010196, OMIM 277700.

Allele frequency attached by ClinVar (database versions not stated): gnomAD exomes below 0.00001.
gnomAD v4.1: 2 of 1,613,856 alleles (0.00012%); highest among the groups gnomAD compares: Non-Finnish European, 0.00017%; no homozygotes.

Submission:

Labcorp Genetics (formerly Invitae), Labcorp
Classification: Uncertain significance for Werner syndrome. Last evaluated: 2026-01-20. Review status: criteria provided, single submitter. Criteria: Invitae Variant Classification Sherloc (09022015). Collection method: clinical testing. Allele origin: germline.
Comment: This sequence change replaces glutamic acid, which is acidic and polar, with glycine, which is neutral and non-polar, at codon 1151 of the WRN protein (p.Glu1151Gly). This variant is present in population databases (no rsID available, gnomAD 0.0009%). This variant has not been reported in the literature in individuals affected with WRN-related conditions. ClinVar contains an entry for this variant (Variation ID: 649208). An algorithm developed to predict the effect of missense changes on protein structure and function (PolyPhen-2) suggests that this variant is likely to be disruptive. In summary, the available evidence is currently insufficient to determine the role of this variant in disease. Therefore, it has been classified as a Variant of Uncertain Significance.